The following is an entry in ClinVar:

ClinVar aggregate classification (germline): Uncertain significance (1 of 4 stars; one submission).

Conditions:
Cardiovascular phenotype. Identifiers: MedGen CN230736.

Allele frequency attached by ClinVar (database versions not stated): gnomAD 0.00001; gnomAD exomes 0.00001; ExAC 0.00006.
gnomAD v4.1: 16 of 1,548,110 alleles (0.001%); highest among the groups gnomAD compares: African/African-American, 0.0041%; no homozygotes.

Submission:

Ambry Genetics
Classification: Uncertain significance for Cardiovascular phenotype. Last evaluated: 2022-09-26. Review status: criteria provided, single submitter. Criteria: Ambry Variant Classification Scheme 2023. Collection method: clinical testing. Allele origin: germline.
Comment: The p.R1166H variant (also known as c.3497G>A), located in coding exon 2 of the ZNF469 gene, results from a G to A substitution at nucleotide position 3497. The arginine at codon 1166 is replaced by histidine, an amino acid with highly similar properties. This amino acid position is conserved. In addition, this alteration is predicted to be tolerated by in silico analysis. Since supporting evidence is limited at this time, the clinical significance of this alteration remains unclear.

NM_001367624.2(ZNF469):c.3581G>A (p.Arg1194His)

Gene: ZNF469 (zinc finger protein 469; plus strand). Cytogenetic location: 16q24.2.
Variant type: single nucleotide variant.
Coding change: c.3581G>A on transcript NM_001367624.2 (MANE Select); coding-DNA position 3581, G replaced by A.
Protein change: p.Arg1194His; replaces arginine 1194 with histidine.
Molecular consequence: missense variant.
Genome position (GRCh38, 1-based): chr16:88,431,051, G>A. VCF-style: chr16-88431051-G-A. GRCh37 (hg19) VCF-style: chr16-88497459-G-A.
Other names: NM_001127464.1:c.3497G>A; short protein forms R1194H.
Identifiers: ClinVar variation 1731995 (VCV001731995.2), dbSNP rs765714860, ClinGen allele CA8224872.